The following is an entry in ClinVar:

ClinVar aggregate classification (germline): Uncertain significance (1 of 4 stars; one submission).

Conditions:
Hereditary cancer-predisposing syndrome. Also called: Neoplastic Syndromes, Hereditary; Tumor predisposition; Hereditary Cancer Syndrome; Hereditary neoplastic syndrome. Identifiers: Orphanet 140162, MedGen C0027672, MeSH D009386, MONDO:0015356.

Submission:

Color Diagnostics, LLC DBA Color Health
Classification: Uncertain significance for Hereditary cancer-predisposing syndrome. Last evaluated: 2024-03-07. Review status: criteria provided, single submitter. Criteria: ACMG Guidelines, 2015. Collection method: clinical testing. Allele origin: germline.
Comment: This missense variant replaces phenylalanine with isoleucine at codon 1174 of the MSH6 protein. Computational prediction suggests that this variant may have deleterious impact on protein structure and function (internally defined REVEL score threshold >= 0.7, PMID: 27666373). Splice site prediction tools suggest that this variant may not impact RNA splicing. To our knowledge, functional studies have not been reported for this variant. This variant has not been reported in individuals affected with hereditary cancer in the literature. This variant has not been identified in the general population by the Genome Aggregation Database (gnomAD). The available evidence is insufficient to determine the role of this variant in disease conclusively. Therefore, this variant is classified as a Variant of Uncertain Significance.

NM_000179.3(MSH6):c.3520T>A (p.Phe1174Ile)

Gene: MSH6 (mutS homolog 6; plus strand). Cytogenetic location: 2p16.3.
Variant type: single nucleotide variant.
Coding change: c.3520T>A on transcript NM_000179.3 (MANE Select); coding-DNA position 3520, T replaced by A.
Protein change: p.Phe1174Ile; replaces phenylalanine 1174 with isoleucine.
Molecular consequence: missense variant.
Genome position (GRCh38, 1-based): chr2:47,804,991, T>A. VCF-style: chr2-47804991-T-A. GRCh37 (hg19) VCF-style: chr2-48032130-T-A.
Other names: c.3130T>A, p.Phe1044Ile (NM_001281492.2); c.2614T>A, p.Phe872Ile (NM_001281493.2, NM_001281494.2); short protein forms F1044I, F1174I, F872I.
Identifiers: ClinVar variation 923054 (VCV000923054.4), dbSNP rs1669876490, ClinGen allele CA346760209.
Genomic context (GRCh38, chr2:47,804,991, plus strand): 5'-GCCCAGATGGGTTGTTACGTCCCTGCTGAAGTGTGCAGGCTCACACCAATTGATAGAGTG[T>A]TTACTAGACTTGGTGCCTCAGACAGAATAATGTCAGGTGAGTTTTTTGTTTCCCACTTAA-3'
Protein context (NP_000170.1, residues 1164-1184): VCRLTPIDRV[Phe1174Ile]TRLGASDRIM